The following is an entry in ClinVar:

ClinVar aggregate classification (germline): Uncertain significance. Review status: criteria provided, multiple submitters, no conflicts (2 of 4 stars). 2 submissions from 2 submitters: Uncertain significance (2). Last evaluated 2023-10-10.

Conditions:
Aspartylglucosaminuria (AGU). Also called: GLYCOASPARAGINASE; GLYCOSYLASPARAGINASE DEFICIENCY; AGA DEFICIENCY; Aspartylglucos-aminuria; Aspartylglucos-amidase (AGA) deficiency. Identifiers: Orphanet 93, MedGen C0268225, MONDO:0008830, OMIM 208400, HP:0012068.

Submissions (2):

Women's Health and Genetics/Laboratory Corporation of America, LabCorp
Classification: Uncertain significance. Last evaluated: 2023-10-10. Review status: criteria provided, single submitter. Criteria: LabCorp Variant Classification Summary - May 2015. Collection method: clinical testing. Allele origin: germline.
Comment: Variant summary: AGA c.1007delA (p.Asn336IlefsX29) causes a frameshift which results in an extension of the protein. The variant was absent in 251182 control chromosomes. The available data on variant occurrences in the general population are insufficient to allow any conclusion about variant significance. To our knowledge, no occurrence of c.1007delA in individuals affected with Aspartylglucosaminuria and no experimental evidence demonstrating its impact on protein function have been reported. One submitter has cited clinical-significance assessments for this variant to ClinVar after 2014 and has classified the variant as uncertain significance. Based on the evidence outlined above, the variant was classified as uncertain significance.

Labcorp Genetics (formerly Invitae), Labcorp
Classification: Uncertain significance for Aspartylglucosaminuria. Last evaluated: 2022-09-13. Review status: criteria provided, single submitter. Criteria: Invitae Variant Classification Sherloc (09022015). Collection method: clinical testing. Allele origin: germline.
Comment: This sequence change results in a frameshift in the AGA gene (p.Asn336Ilefs*29). While this is not anticipated to result in nonsense mediated decay, it is expected to disrupt the last 11 amino acid(s) of the AGA protein and extend the protein by 17 additional amino acid residues. This variant is not present in population databases (gnomAD no frequency). This variant has not been reported in the literature in individuals affected with AGA-related conditions. Experimental studies and prediction algorithms are not available or were not evaluated, and the functional significance of this variant is currently unknown. In summary, the available evidence is currently insufficient to determine the role of this variant in disease. Therefore, it has been classified as a Variant of Uncertain Significance.

NM_000027.4(AGA):c.1007del (p.Asn336fs)

Gene: AGA (aspartylglucosaminidase; minus strand). Cytogenetic location: 4q34.3.
Variant type: Deletion.
Coding change: c.1007del on transcript NM_000027.4 (MANE Select); coding-DNA position 1007, one base deleted (A; older notation c.1007delA).
Protein change: p.Asn336fs; shifts the reading frame from asparagine 336.
Molecular consequence: frameshift variant. On other transcripts: non-coding transcript variant (1).
Genome position (GRCh38, 1-based): chr4:177,431,742, T deleted on the plus strand (A on the coding strand, the reverse complement: AGA is on the minus strand); the first of 7 consecutive T bases (chr4:177,431,742-177,431,748); deleting any one gives the same sequence. VCF-style (leftmost placement, unchanged base first): chr4-177431741-AT-A. GRCh37 (hg19) VCF-style: chr4-178352895-AT-A.
Other names: c.977del, p.Asn326fs (NM_001171988.2); c.1007delA (NM_000027.4); short protein forms N336fs, N326fs.
Identifiers: ClinVar variation 2095145 (VCV002095145.2), dbSNP rs760478720, ClinGen allele CA645540426.